The following is an entry in ClinVar:

ClinVar aggregate classification (germline): Likely pathogenic (1 of 4 stars; one submission).

Conditions:
Intellectual developmental disorder, autosomal dominant 44, with microcephaly. Also called: TRIO-Related Intellectual Disability; Micrognathia-recurrent infections-behavioral abnormalities-mild intellectual disability syndrome. Identifiers: Orphanet 476126, MedGen C4310740, MONDO:0014892, OMIM 617061.
Intellectual developmental disorder, autosomal dominant 63, with macrocephaly. Also called: MENTAL RETARDATION, AUTOSOMAL DOMINANT 63, WITH MACROCEPHALY. Identifiers: MedGen C5394205, MONDO:0032939, OMIM 618825.

Submission:

Institute of Immunology and Genetics Kaiserslautern
Classification: Likely pathogenic for Intellectual developmental disorder, autosomal dominant 44, with microcephaly; Intellectual developmental disorder, autosomal dominant 63, with macrocephaly. Last evaluated: 2024-04-16. Review status: criteria provided, single submitter. Criteria: ACMG Guidelines, 2015. Collection method: clinical testing. Allele origin: maternal. Affected: yes.
Comment: ACMG Criteria: PM2, PVS1; Variant found in a heterozygous state

NM_007118.4(TRIO):c.5482G>T (p.Glu1828Ter)

Gene: TRIO (trio Rho guanine nucleotide exchange factor; plus strand). Cytogenetic location: 5p15.2.
Variant type: single nucleotide variant.
Coding change: c.5482G>T on transcript NM_007118.4 (MANE Select); coding-DNA position 5482, G replaced by T.
Protein change: p.Glu1828Ter; replaces glutamic acid 1828 with a stop codon.
Molecular consequence: nonsense. On other transcripts: non-coding transcript variant (1).
Genome position (GRCh38, 1-based): chr5:14,461,297, G>T. VCF-style: chr5-14461297-G-T. GRCh37 (hg19) VCF-style: chr5-14461406-G-T.
Other names: short protein forms E1828*.
Identifiers: ClinVar variation 3366966 (VCV003366966.1).
Genomic context (GRCh38, chr5:14,461,297, plus strand): 5'-AAGAGCGCCGACGCCGGCTCGCAGAAGGACTCCGACGACAGTGCGGCCACCCCGCAGGAC[G>T]AGACGGTCGAGGAGGTGAGGCTCTGCCCGCTGGTTGGGGCCGGCGTGGCGGGGCCCGCTG-3'